The following is an entry in ClinVar:

NM_005876.5(SPEG):c.932C>G (p.Pro311Arg)

Gene: SPEG (striated muscle enriched protein kinase; plus strand). Cytogenetic location: 2q35.
Variant type: single nucleotide variant.
Coding change: c.932C>G on transcript NM_005876.5 (MANE Select); coding-DNA position 932, C replaced by G.
Protein change: p.Pro311Arg; replaces proline 311 with arginine.
Molecular consequence: missense variant.
Genome position (GRCh38, 1-based): chr2:219,448,090, C>G. VCF-style: chr2-219448090-C-G. GRCh37 (hg19) VCF-style: chr2-220312812-C-G.
Other names: c.932C>G (NM_005876.4); short protein forms P311R.
Identifiers: ClinVar variation 1937412 (VCV001937412.6), dbSNP rs1377811321, ClinGen allele CA350716357.
Genomic context (GRCh38, chr2:219,448,090, plus strand): 5'-CCAGCGAAGCCCCACGCCGCCCTGCCCAGCCGCCTCCTTCCAAATCCGCGCTGCTCCCCC[C>G]ACCGTCCCCTCGGGTCGGGAAGCGGTCCCCGCCGGGACCCCCGGCCCAGCCCGCGGCCAC-3'
Protein context (NP_005867.3, residues 301-321): PPPSKSALLP[Pro311Arg]PSPRVGKRSP

ClinVar aggregate classification (germline): Uncertain significance. Review status: criteria provided, multiple submitters, no conflicts (2 of 4 stars). 2 submissions from 2 submitters: Uncertain significance (2). Last evaluated 2025-12-15.

Conditions:
Inborn genetic diseases. Identifiers: MedGen C0950123, MeSH D030342.

Allele frequency attached by ClinVar (database versions not stated): gnomAD exomes 0.00002.

Submissions (2):

Ambry Genetics
Classification: Uncertain significance for Inborn genetic diseases. Last evaluated: 2025-12-15. Review status: criteria provided, single submitter. Criteria: Ambry Variant Classification Scheme 2023. Collection method: clinical testing. Allele origin: germline.

Labcorp Genetics (formerly Invitae), Labcorp
Classification: Uncertain significance. Last evaluated: 2022-05-20. Review status: criteria provided, single submitter. Criteria: Invitae Variant Classification Sherloc (09022015). Collection method: clinical testing. Allele origin: germline.
Comment: This sequence change replaces proline, which is neutral and non-polar, with arginine, which is basic and polar, at codon 311 of the SPEG protein (p.Pro311Arg). This variant is present in population databases (no rsID available, gnomAD 0.001%). In summary, the available evidence is currently insufficient to determine the role of this variant in disease. Therefore, it has been classified as a Variant of Uncertain Significance. Algorithms developed to predict the effect of missense changes on protein structure and function are either unavailable or do not agree on the potential impact of this missense change (SIFT: "Deleterious"; PolyPhen-2: "Benign"; Align-GVGD: "Class C0"). This variant has not been reported in the literature in individuals affected with SPEG-related conditions.